The following is an entry in ClinVar:

ClinVar aggregate classification (germline): Uncertain significance (1 of 4 stars; one submission).

Conditions:
PLXNA1-related disorder. Also called: PLXNA1-related condition.

gnomAD v4.1: 1 of 1,613,402 alleles (0.000062%); highest among the groups gnomAD compares: Non-Finnish European, 0.000085%; no homozygotes.

Submission:

PreventionGenetics, part of Exact Sciences
Classification: Uncertain significance for PLXNA1-related condition. Last evaluated: 2026-05-16. Review status: criteria provided, single submitter. Criteria: ACMG Guidelines, 2015. Collection method: clinical testing. Allele origin: germline.
Comment: The PLXNA1 c.487G>C variant is predicted to result in the amino acid substitution p.Val163Leu. To our knowledge, this variant has not been reported in the literature. This variant is reported in 0.00089% of alleles in individuals of European (Non-Finnish) descent in gnomAD. At this time, the clinical significance of this variant is uncertain due to the absence of conclusive functional and genetic evidence.

NM_032242.4(PLXNA1):c.487G>C (p.Val163Leu)

Gene: PLXNA1 (plexin A1; plus strand). Cytogenetic location: 3q21.3.
Variant type: single nucleotide variant.
Coding change: c.487G>C on transcript NM_032242.4 (MANE Select); coding-DNA position 487, G replaced by C.
Protein change: p.Val163Leu; replaces valine 163 with leucine.
Molecular consequence: missense variant.
Genome position (GRCh38, 1-based): chr3:126,989,080, G>C. VCF-style: chr3-126989080-G-C. GRCh37 (hg19) VCF-style: chr3-126707923-G-C.
Other names: short protein forms V163L.
Identifiers: ClinVar variation 4990317 (VCV004990317.1).
Genomic context (GRCh38, chr3:126,989,080, plus strand): 5'-CTGGACGATCTCTTCAAACTGGGTGAGCCACACCACCGTAAGGAGCACTACCTGTCCAGC[G>C]TGCAGGAGGCAGGCAGCATGGCGGGCGTGCTCATTGCCGGGCCACCGGGCCAGGGCCAGG-3'
Protein context (NP_115618.3, residues 153-173): HHRKEHYLSS[Val163Leu]QEAGSMAGVL